The following is an entry in ClinVar:

ClinVar aggregate classification (germline): Uncertain significance (1 of 4 stars; one submission).

Submission:

Ambry Genetics
Classification: Uncertain significance. Last evaluated: 2024-05-14. Review status: criteria provided, single submitter. Criteria: Ambry Variant Classification Scheme 2023. Collection method: clinical testing. Allele origin: germline.
Comment: The p.S348T variant (also known as c.1042T>A), located in coding exon 12 of the NPAT gene, results from a T to A substitution at nucleotide position 1042. The serine at codon 348 is replaced by threonine, an amino acid with similar properties. This amino acid position is conserved. In addition, this alteration is predicted to be tolerated by in silico analysis. Based on the available evidence, the clinical significance of this variant remains unclear.

NM_002519.3(NPAT):c.1042T>A (p.Ser348Thr)

Gene: NPAT (nuclear protein, coactivator of histone transcription; minus strand). Cytogenetic location: 11q22.3.
Variant type: single nucleotide variant.
Coding change: c.1042T>A on transcript NM_002519.3 (MANE Select); coding-DNA position 1042, T replaced by A.
Protein change: p.Ser348Thr; replaces serine 348 with threonine.
Molecular consequence: missense variant.
Genome position (GRCh38, 1-based): chr11:108,176,336, A>T on the plus strand (T>A on the coding strand, the complement: NPAT is on the minus strand). VCF-style: chr11-108176336-A-T. GRCh37 (hg19) VCF-style: chr11-108047063-A-T.
Other names: c.1042T>A, p.Ser348Thr (NM_001321307.1); short protein forms S348T.
Identifiers: ClinVar variation 3300691 (VCV003300691.1).